The following is an entry in ClinVar:

ClinVar aggregate classification (germline): Uncertain significance (1 of 4 stars; one submission).

Allele frequency attached by ClinVar (database versions not stated): gnomAD exomes below 0.00001.
gnomAD v4.1: 4 of 1,610,900 alleles (0.00025%); highest among the groups gnomAD compares: Non-Finnish European, 0.00034%; no homozygotes.

Submission:

Ambry Genetics
Classification: Uncertain significance. Last evaluated: 2024-08-23. Review status: criteria provided, single submitter. Criteria: Ambry Variant Classification Scheme 2023. Collection method: clinical testing. Allele origin: germline.
Comment: The c.4167-4A>G intronic variant results from an A to G substitution 4 nucleotides upstream from coding exon 38 in the KIF1B gene. This nucleotide position is well conserved in available vertebrate species. In silico splice site analysis predicts that this alteration will result in the creation or strengthening of a novel splice acceptor site. The evidence for this gene-disease relationship is limited; therefore, the clinical significance of this alteration is unclear.

NM_001365951.3(KIF1B):c.4305-4A>G

Gene: KIF1B (kinesin family member 1B; plus strand). Cytogenetic location: 1p36.22.
Variant type: single nucleotide variant.
Coding change: c.4305-4A>G on transcript NM_001365951.3 (MANE Select); 4 bases into the intron before coding-DNA position 4305, A replaced by G.
Molecular consequence: intron variant.
Genome position (GRCh38, 1-based): chr1:10,363,279, A>G. VCF-style: chr1-10363279-A-G. GRCh37 (hg19) VCF-style: chr1-10423337-A-G.
Other names: c.4167-4A>G (NM_015074.3); c.4305-4A>G (NM_001365952.1).
Identifiers: ClinVar variation 1738376 (VCV001738376.3), dbSNP rs2521897883, ClinGen allele CA2580060460.
Genomic context (GRCh38, chr1:10,363,279, plus strand): 5'-AATTGAAATTTTCCTGTTTTTGTGCTTTAAGAGATTAAACAATTGTTTTATTTTCTTCAA[A>G]TAGGAATCGAGTCACTGGCATTTACGAACTCAGCTTATGCAAAATGTCAGACACAGGTAG-3'